The following is an entry in ClinVar:

ClinVar aggregate classification (germline): Likely benign (0 of 4 stars; one submission).

Conditions:
ZNF148-related disorder. Also called: ZNF148-related condition.

gnomAD v4.1: 1 of 1,613,788 alleles (0.000062%); no homozygotes.

Submission:

PreventionGenetics, part of Exact Sciences
Classification: Likely benign for ZNF148-related condition. Last evaluated: 2019-07-09. Review status: no assertion criteria provided. Collection method: clinical testing. Allele origin: germline.
Comment: This variant is classified as likely benign based on ACMG/AMP sequence variant interpretation guidelines (Richards et al. 2015 PMID: 25741868, with internal and published modifications).

NM_021964.3(ZNF148):c.2097C>T (p.Ala699=)

Genes: ZNF148 (zinc finger protein 148; minus strand), LOC126806798 (P300/CBP strongly-dependent group 1 enhancer GRCh37_chr3:124950809-124952008; plus strand). Cytogenetic location: 3q21.2.
Variant type: single nucleotide variant.
Coding change: c.2097C>T on transcript NM_021964.3 (MANE Select); coding-DNA position 2097, C replaced by T.
Protein change: p.Ala699=; no amino-acid change (alanine 699 retained).
Molecular consequence: synonymous variant.
Genome position (GRCh38, 1-based): chr3:125,232,629, G>A on the plus strand (C>T on the coding strand, the complement: ZNF148 is on the minus strand). VCF-style: chr3-125232629-G-A. GRCh37 (hg19) VCF-style: chr3-124951473-G-A.
Other names: c.2097C>T, p.Ala699= (NM_001348424.1, NM_001348425.2, NM_001348426.2 and 7 more transcripts); c.1971C>T, p.Ala657= (NM_001348434.2).
Identifiers: ClinVar variation 3350558 (VCV003350558.1).
Genomic context (GRCh38, chr3:125,232,629, plus strand): 5'-AGGCTGGGCCTCAGCTTTCTTCTGAGAAGTCACTTGATCCAGAAAGTCCTGTGTTGATGT[G>A]GCAGAAGCATGGTTTGTCTCATCACCTGAAAAGGGAAATGAGTGCTGTGAATCACCAACT-3'
Protein context (NP_068799.2, residues 689-709): FSGDETNHAS[Ala699=]TSTQDFLDQV